The following is an entry in ClinVar:

ClinVar aggregate classification (germline): Uncertain significance. Review status: criteria provided, multiple submitters, no conflicts (2 of 4 stars). 3 submissions from 3 submitters: Uncertain significance (3). Last evaluated 2025-08-11.

Conditions:
Hereditary cancer-predisposing syndrome. Also called: Hereditary Cancer Syndrome; Neoplastic Syndromes, Hereditary; Hereditary neoplastic syndrome; Tumor predisposition. Identifiers: Orphanet 140162, MedGen C0027672, MeSH D009386, MONDO:0015356.
Juvenile polyposis/hereditary hemorrhagic telangiectasia syndrome (JPHT). Also called: JP/HHT SYNDROME; JUVENILE POLYPOSIS WITH HEREDITARY HEMORRHAGIC TELANGIECTASIA; POLYPOSIS, GENERALIZED JUVENILE, WITH PULMONARY ARTERIOVENOUS MALFORMATION; TELANGIECTASIA, HEREDITARY HEMORRHAGIC, WITH JUVENILE POLYPOSIS COLI; Juvenile Polyposis Syndrome / Hereditary Hemorrhagic Telangiectasia (JPS/HHT). Identifiers: Orphanet 2929, MedGen C1832942, MONDO:0008278, OMIM 175050.
Juvenile polyposis syndrome (JPS). Identifiers: Orphanet 2929, MedGen C0345893, MONDO:0017380, OMIM 174900.

Allele frequency attached by ClinVar (database versions not stated): gnomAD exomes below 0.00001.
gnomAD v4.1: 1 of 1,604,208 alleles (0.000062%); highest among the groups gnomAD compares: Non-Finnish European, 0.000085%; no homozygotes.

Submissions (3):

Labcorp Genetics (formerly Invitae), Labcorp
Classification: Uncertain significance for Juvenile polyposis syndrome. Last evaluated: 2025-08-11. Review status: criteria provided, single submitter. Criteria: Invitae Variant Classification Sherloc (09022015). Collection method: clinical testing. Allele origin: germline.
Comment: This sequence change falls in intron 8 of the SMAD4 gene. It does not directly change the encoded amino acid sequence of the SMAD4 protein. It affects a nucleotide within the consensus splice site. This variant is not present in population databases (gnomAD no frequency). This variant has not been reported in the literature in individuals affected with SMAD4-related conditions. ClinVar contains an entry for this variant (Variation ID: 1003483). Variants that disrupt the consensus splice site are a relatively common cause of aberrant splicing (PMID: 17576681, 9536098). Algorithms developed to predict the effect of sequence changes on RNA splicing suggest that this variant may disrupt the consensus splice site. In summary, the available evidence is currently insufficient to determine the role of this variant in disease. Therefore, it has been classified as a Variant of Uncertain Significance.

Baylor Genetics
Classification: Uncertain significance for Juvenile polyposis/hereditary hemorrhagic telangiectasia syndrome. Last evaluated: 2022-07-15. Review status: criteria provided, single submitter. Criteria: ACMG Guidelines, 2015. Collection method: clinical testing. Allele origin: unknown.

Color Diagnostics, LLC DBA Color Health
Classification: Uncertain significance for Hereditary cancer-predisposing syndrome. Last evaluated: 2020-08-24. Review status: criteria provided, single submitter. Criteria: ACMG Guidelines, 2015. Collection method: clinical testing. Allele origin: germline.
Comment: This variant causes a G to A nucleotide substitution at the +5 position of intron 8 of the SMAD4 gene. To our knowledge, functional studies have not been reported for this variant. This variant has not been reported in individuals affected with hereditary cancer in the literature. This variant has not been identified in the general population by the Genome Aggregation Database (gnomAD). The available evidence is insufficient to determine the role of this variant in disease conclusively. Therefore, this variant is classified as a Variant of Uncertain Significance.

Literature cited by the submitters: PubMed 17576681 (cited by Labcorp Genetics (formerly Invitae), Labcorp); PubMed 9536098 (cited by Labcorp Genetics (formerly Invitae), Labcorp).

NM_005359.6(SMAD4):c.955+5G>A

Gene: SMAD4 (SMAD family member 4; plus strand). Cytogenetic location: 18q21.2.
Variant type: single nucleotide variant.
Coding change: c.955+5G>A on transcript NM_005359.6 (MANE Select); 5 bases into the intron after coding-DNA position 955, G replaced by A.
Molecular consequence: intron variant.
Genome position (GRCh38, 1-based): chr18:51,059,921, G>A. VCF-style: chr18-51059921-G-A. GRCh37 (hg19) VCF-style: chr18-48586291-G-A.
Identifiers: ClinVar variation 1003483 (VCV001003483.11), dbSNP rs1909960931, ClinGen allele CA2302978005.